The following is an entry in ClinVar:

NM_000091.5(COL4A3):c.880G>C (p.Gly294Arg)

Genes: COL4A3 (collagen type IV alpha 3 chain; plus strand), MFF-DT (MFF divergent transcript; minus strand). Cytogenetic location: 2q36.3.
Variant type: single nucleotide variant.
Coding change: c.880G>C on transcript NM_000091.5 (MANE Select); coding-DNA position 880, G replaced by C.
Protein change: p.Gly294Arg; replaces glycine 294 with arginine.
Molecular consequence: missense variant.
Genome position (GRCh38, 1-based): chr2:227,254,707, G>C. VCF-style: chr2-227254707-G-C. GRCh37 (hg19) VCF-style: chr2-228119423-G-C.
Other names: short protein forms G294R.
Identifiers: ClinVar variation 1330265 (VCV001330265.2), dbSNP rs2125936494, ClinGen allele CA350866521.

ClinVar aggregate classification (germline): Likely pathogenic. Review status: criteria provided, multiple submitters, no conflicts (2 of 4 stars). 2 submissions from 2 submitters: Likely pathogenic (2). Last evaluated 2024-12-19.

Conditions:
Autosomal dominant Alport syndrome (ATS3A). Also called: ALPORT SYNDROME 3A, AUTOSOMAL DOMINANT; Alport syndrome dominant type; Renal failure and sensorineural hearing loss. Identifiers: Orphanet 63, Orphanet 88918, MedGen C5882663, MONDO:0007086, OMIM 104200.

Submissions (2):

MVZ Medizinische Genetik Mainz
Classification: Likely pathogenic for Autosomal dominant Alport syndrome. Last evaluated: 2024-12-19. Review status: criteria provided, single submitter. Criteria: UK Practice Guidelines For Variant Classification V4 01 2020. Collection method: clinical testing. Allele origin: germline. Inheritance: Autosomal dominant inheritance. Affected: yes. Observed: 1 variant allele.
Comment: ACMG Criteria: PM1_STR,PM2_SUP,PP3

MVZ Martinsried, Medicover Genetics
Classification: Likely pathogenic for Autosomal dominant Alport syndrome. Last evaluated: 2021-08-02. Review status: criteria provided, single submitter. Criteria: ACGS Guidelines, 2020. Collection method: clinical testing. Allele origin: unknown. Affected: yes.